The following is an entry in ClinVar:

ClinVar aggregate classification (germline): Conflicting classifications of pathogenicity. Review status: criteria provided, conflicting classifications (1 of 4 stars). 5 submissions from 5 submitters: Uncertain significance (1); Benign (1); Likely benign (3). Last evaluated 2026-07-13.

Conditions:
Hereditary cancer-predisposing syndrome. Also called: Tumor predisposition; Neoplastic Syndromes, Hereditary; Hereditary neoplastic syndrome; Hereditary Cancer Syndrome. Identifiers: Orphanet 140162, MedGen C0027672, MeSH D009386, MONDO:0015356.
Intellectual disability, autosomal dominant 16 (CSS4). Also called: COFFIN-SIRIS SYNDROME 4. Identifiers: Orphanet 1465, MedGen C3553249, MONDO:0013821, OMIM 614609.
Rhabdoid tumor predisposition syndrome 2 (RTPS2). Identifiers: Orphanet 231108, Orphanet 69077, MedGen C2750074, MONDO:0013224, OMIM 613325.

Allele frequency attached by ClinVar (database versions not stated): gnomAD exomes below 0.00001 and 0.00003; TOPMed below 0.00001; ExAC 0.00001; gnomAD 0.00001.
gnomAD v4.1: 38 of 1,613,658 alleles (0.0024%); highest among the groups gnomAD compares: Non-Finnish European, 0.0031%; no homozygotes.

Submissions (5):

Myriad Genetics, Inc.
Classification: Benign for Rhabdoid tumor predisposition syndrome 2. Last evaluated: 2026-07-13. Review status: criteria provided, single submitter. Criteria: Myriad Autosomal Dominant, Autosomal Recessive and X-Linked Classification Criteria (2023). Collection method: clinical testing. Allele origin: unknown.
Comment: This variant is considered benign. This variant is a silent/synonymous amino acid change and it is not expected to impact splicing.

Labcorp Genetics (formerly Invitae), Labcorp
Classification: Likely benign for Rhabdoid tumor predisposition syndrome 2. Last evaluated: 2026-01-15. Review status: criteria provided, single submitter. Criteria: Invitae Variant Classification Sherloc (09022015). Collection method: clinical testing. Allele origin: germline.

Blueprint Genetics
Classification: Likely benign. Last evaluated: 2024-05-27. Review status: criteria provided, single submitter. Criteria: ACMG Guidelines, 2015. Collection method: clinical testing. Allele origin: germline.

Genome-Nilou Lab
Classification: Uncertain significance for Intellectual disability, autosomal dominant 16. Last evaluated: 2021-07-15. Review status: criteria provided, single submitter. Criteria: ACMG Guidelines, 2015. Collection method: clinical testing. Allele origin: germline. Affected: no.

Ambry Genetics
Classification: Likely benign for Hereditary cancer-predisposing syndrome. Last evaluated: 2016-02-11. Review status: criteria provided, single submitter. Criteria: Ambry Variant Classification Scheme 2023. Collection method: clinical testing. Allele origin: germline.

NM_003072.5(SMARCA4):c.2565C>T (p.Val855=)

Gene: SMARCA4 (SWI/SNF related BAF chromatin remodeling complex subunit ATPase 4; plus strand). Cytogenetic location: 19p13.2.
Variant type: single nucleotide variant.
Coding change: c.2565C>T on transcript NM_003072.5 (MANE Select); coding-DNA position 2565, C replaced by T.
Protein change: p.Val855=; no amino-acid change (valine 855 retained).
Molecular consequence: synonymous variant. On other transcripts: non-coding transcript variant (1).
Genome position (GRCh38, 1-based): chr19:11,019,650, C>T. VCF-style: chr19-11019650-C-T. GRCh37 (hg19) VCF-style: chr19-11130326-C-T.
Other names: c.2565C>T, p.Val855= (NM_001128844.3, NM_001128845.2, NM_001128846.2 and 5 more transcripts).
Identifiers: ClinVar variation 328030 (VCV000328030.23), dbSNP rs775610559, ClinGen allele CA9204160.